The following is an entry in ClinVar:

NM_000061.3(BTK):c.1513G>A (p.Val505Ile)

Gene: BTK (Bruton tyrosine kinase; minus strand). Cytogenetic location: Xq22.1.
Variant type: single nucleotide variant.
Coding change: c.1513G>A on transcript NM_000061.3 (MANE Select); coding-DNA position 1513, G replaced by A.
Protein change: p.Val505Ile; replaces valine 505 with isoleucine.
Molecular consequence: missense variant. On other transcripts: intron variant (1).
Genome position (GRCh38, 1-based): chrX:101,356,105, C>T on the plus strand (G>A on the coding strand, the complement: BTK is on the minus strand). VCF-style: chrX-101356105-C-T. GRCh37 (hg19) VCF-style: chrX-100611093-C-T.
Other names: c.1615G>A, p.Val539Ile (NM_001287344.2); c.1039-1411G>A (NM_001287345.2); short protein forms V505I, V539I.
Identifiers: ClinVar variation 3339243 (VCV003339243.1).
Genomic context (GRCh38, chrX:101,356,105, plus strand): 5'-GTCCCACCAGGTCTCGGTGAAGGAACTGCTTTGACTCCAGGTATTCCATGGCTTCACAGA[C>T]ATCCTTGCACATCTCTAGCAGCTGCTGAGTCTGGAAGCGGTGGCGCATCTCCCTCAGGTA-3'
Protein context (NP_000052.1, residues 495-515): TQQLLEMCKD[Val505Ile]CEAMEYLESK

ClinVar aggregate classification (germline): Uncertain significance (1 of 4 stars; one submission).

gnomAD v4.1: 1 of 1,209,544 alleles (0.000083%); no homozygotes.

Submission:

Women's Health and Genetics/Laboratory Corporation of America, LabCorp
Classification: Uncertain significance. Last evaluated: 2024-07-01. Review status: criteria provided, single submitter. Criteria: LabCorp Variant Classification Summary - May 2015. Collection method: clinical testing. Allele origin: germline.
Comment: Variant summary: BTK c.1513G>A (p.Val505Ile) results in a conservative amino acid change located in the protein kinase domain (IPR000719) of the encoded protein sequence. Three of five in-silico tools predict a benign effect of the variant on protein function. The variant was absent in 183453 control chromosomes. The available data on variant occurrences in the general population are insufficient to allow any conclusion about variant significance. To our knowledge, no occurrence of c.1513G>A in individuals affected with X-Linked Agammaglobulinemia and no experimental evidence demonstrating its impact on protein function have been reported. No submitters have cited clinical-significance assessments for this variant to ClinVar. Based on the evidence outlined above, the variant was classified as uncertain significance.